The following is an entry in ClinVar:

ClinVar aggregate classification (germline): Likely benign (1 of 4 stars; one submission).

Conditions:
Coffin-Siris syndrome. Identifiers: Orphanet 1465, MedGen C0265338, MONDO:0015452.

Allele frequency attached by ClinVar (database versions not stated): ESP Exome Variant Server 0.00023; TOPMed 0.00024; gnomAD exomes 0.00025 and 0.00041; gnomAD 0.00034 and 0.00036; ExAC 0.00037; 1000 Genomes Project 0.00060; 1000 Genomes Project 30x 0.00125.
gnomAD v4.1: 413 of 1,612,570 alleles (0.026%); highest among the groups gnomAD compares: East Asian, 0.12%; 1 homozygote.

Submission:

Illumina Laboratory Services, Illumina
Classification: Likely benign for Coffin-Siris syndrome. Last evaluated: 2017-04-27. Review status: criteria provided, single submitter. Criteria: ICSL Variant Classification Criteria 13 December 2019. Collection method: clinical testing. Allele origin: germline.
Comment: This variant was observed as part of a predisposition screen in an ostensibly healthy population. A literature search was performed for the gene, cDNA change, and amino acid change (where applicable). No publications were found based on this search. Allele frequency data from public databases allowed determination this variant is unlikely to cause disease. Therefore, this variant is classified as likely benign.

NM_003072.5(SMARCA4):c.*25C>T

Gene: SMARCA4 (SWI/SNF related BAF chromatin remodeling complex subunit ATPase 4; plus strand). Cytogenetic location: 19p13.2.
Variant type: single nucleotide variant.
Coding change: c.*25C>T on transcript NM_003072.5 (MANE Select); 25 bases downstream of the stop codon, C replaced by T.
Molecular consequence: 3 prime UTR variant. On other transcripts: non-coding transcript variant (1).
Genome position (GRCh38, 1-based): chr19:11,061,841, C>T. VCF-style: chr19-11061841-C-T. GRCh37 (hg19) VCF-style: chr19-11172517-C-T.
Other names: c.*25C>T (NM_001128844.3, NM_001128845.2, NM_001128846.2 and 5 more transcripts).
Identifiers: ClinVar variation 328043 (VCV000328043.5), dbSNP rs189436737, ClinGen allele CA9204931.